The following is an entry in ClinVar:

NM_000321.3(RB1):c.780T>A (p.Ser260Arg)

Gene: RB1 (RB transcriptional corepressor 1; plus strand). Cytogenetic location: 13q14.2.
Variant type: single nucleotide variant.
Coding change: c.780T>A on transcript NM_000321.3 (MANE Select); coding-DNA position 780, T replaced by A.
Protein change: p.Ser260Arg; replaces serine 260 with arginine.
Molecular consequence: missense variant.
Genome position (GRCh38, 1-based): chr13:48,362,876, T>A. VCF-style: chr13-48362876-T-A. GRCh37 (hg19) VCF-style: chr13-48937012-T-A.
Other names: c.780T>A, p.Ser260Arg (NM_001407165.1, NM_001407166.1); short protein forms S260R.
Identifiers: ClinVar variation 4863023 (VCV004863023.1).
Genomic context (GRCh38, chr13:48,362,876, plus strand): 5'-AACAGCTGTTATACCCATTAATGGTTCACCTCGAACACCCAGGCGAGGTCAGAACAGGAG[T>A]GCACGGATAGCAAAACAACTAGAAAATGATACAAGAATTATTGAAGTTCTCTGTAAAGAA-3'
Protein context (NP_000312.2, residues 250-270): PRTPRRGQNR[Ser260Arg]ARIAKQLEND

ClinVar aggregate classification (germline): Uncertain significance (1 of 4 stars; one submission).

Conditions:
Hereditary cancer-predisposing syndrome. Also called: Neoplastic Syndromes, Hereditary; Tumor predisposition; Hereditary Cancer Syndrome; Hereditary neoplastic syndrome. Identifiers: Orphanet 140162, MedGen C0027672, MeSH D009386, MONDO:0015356.

Submission:

Ambry Genetics
Classification: Uncertain significance for Hereditary cancer-predisposing syndrome. Last evaluated: 2026-04-28. Review status: criteria provided, single submitter. Criteria: Ambry Variant Classification Scheme 2023. Collection method: clinical testing. Allele origin: germline.
Comment: The p.S260R variant (also known as c.780T>A), located in coding exon 8 of the RB1 gene, results from a T to A substitution at nucleotide position 780. The serine at codon 260 is replaced by arginine, an amino acid with dissimilar properties. This amino acid position is conserved. In addition, the in silico prediction for this alteration is inconclusive. Based on the available evidence, the clinical significance of this variant remains unclear.